The following is an entry in ClinVar:

ClinVar aggregate classification (germline): Uncertain significance. Review status: criteria provided, multiple submitters, no conflicts (2 of 4 stars). 5 submissions from 5 submitters: Uncertain significance (5). Last evaluated 2026-07-18.

Conditions:
MYO7A-related disorder. Also called: MYO7A-related disorders.
Inborn genetic diseases. Identifiers: MedGen C0950123, MeSH D030342.

Allele frequency attached by ClinVar (database versions not stated): gnomAD 0.00001; TOPMed 0.00001.

Submissions (5):

PreventionGenetics, part of Exact Sciences
Classification: Uncertain significance for MYO7A-related condition. Last evaluated: 2026-07-18. Review status: criteria provided, single submitter. Criteria: ACMG Guidelines, 2015. Collection method: clinical testing. Allele origin: germline.
Comment: The MYO7A c.3853A>C variant is predicted to result in the amino acid substitution p.Asn1285His. To our knowledge, this variant has not been reported in the literature or in a large population database (gnomAD), indicating this variant is rare. At this time, the clinical significance of this variant is uncertain due to the absence of conclusive functional and genetic evidence.

Ambry Genetics
Classification: Uncertain significance for Inborn genetic diseases. Last evaluated: 2026-04-22. Review status: criteria provided, single submitter. Criteria: Ambry Variant Classification Scheme 2023. Collection method: clinical testing. Allele origin: germline.

Labcorp Genetics (formerly Invitae), Labcorp
Classification: Uncertain significance. Last evaluated: 2025-10-29. Review status: criteria provided, single submitter. Criteria: Invitae Variant Classification Sherloc (09022015). Collection method: clinical testing. Allele origin: germline.
Comment: This sequence change replaces asparagine, which is neutral and polar, with histidine, which is basic and polar, at codon 1285 of the MYO7A protein (p.Asn1285His). This variant is not present in population databases (gnomAD no frequency). This variant has not been reported in the literature in individuals affected with MYO7A-related conditions. ClinVar contains an entry for this variant (Variation ID: 2416023). Invitae Evidence Modeling of protein sequence and biophysical properties (such as structural, functional, and spatial information, amino acid conservation, physicochemical variation, residue mobility, and thermodynamic stability) indicates that this missense variant is not expected to disrupt MYO7A protein function with a negative predictive value of 95%. In summary, the available evidence is currently insufficient to determine the role of this variant in disease. Therefore, it has been classified as a Variant of Uncertain Significance.

GeneDx
Classification: Uncertain significance. Last evaluated: 2025-05-02. Review status: criteria provided, single submitter. Criteria: GeneDx Variant Classification Process June 2021. Collection method: clinical testing. Allele origin: germline. Affected: yes.
Comment: Not observed at significant frequency in large population cohorts (gnomAD); In silico analysis supports that this missense variant has a deleterious effect on protein structure/function; Has not been previously published as pathogenic or benign to our knowledge

Blueprint Genetics
Classification: Uncertain significance. Last evaluated: 2023-04-20. Review status: criteria provided, single submitter. Criteria: ACMG Guidelines, 2015. Collection method: clinical testing. Allele origin: germline.

NM_000260.4(MYO7A):c.3853A>C (p.Asn1285His)

Gene: MYO7A (myosin VIIA; plus strand). Cytogenetic location: 11q13.5.
Variant type: single nucleotide variant.
Coding change: c.3853A>C on transcript NM_000260.4 (MANE Select); coding-DNA position 3853, A replaced by C.
Protein change: p.Asn1285His; replaces asparagine 1285 with histidine.
Molecular consequence: missense variant.
Genome position (GRCh38, 1-based): chr11:77,190,799, A>C. VCF-style: chr11-77190799-A-C. GRCh37 (hg19) VCF-style: chr11-76901844-A-C.
Other names: c.3853A>C, p.Asn1285His (NM_001127180.2); c.3820A>C, p.Asn1274His (NM_001369365.1); c.3853A>C (NM_000260.3); short protein forms N1274H, N1285H.
Identifiers: ClinVar variation 2416023 (VCV002416023.10), dbSNP rs1413384148, ClinGen allele CA381947744.